The following is an entry in ClinVar:

ClinVar aggregate classification (germline): Uncertain significance. Review status: criteria provided, multiple submitters, no conflicts (2 of 4 stars). 3 submissions from 3 submitters: Uncertain significance (3). Last evaluated 2025-08-19.

Conditions:
Hypotonia, infantile, with psychomotor retardation and characteristic facies 3 (IHPRF3). Also called: TBCK-Related Neurodevelopmental Disorder. Identifiers: Orphanet 488632, MedGen C5567480, MONDO:0014823, OMIM 616900.

Submissions (3):

GeneDx
Classification: Uncertain significance. Last evaluated: 2025-08-19. Review status: criteria provided, single submitter. Criteria: GeneDx Variant Classification Process June 2021. Collection method: clinical testing. Allele origin: germline. Affected: yes.
Comment: Not observed at significant frequency in large population cohorts (gnomAD); In-frame deletion of 1 amino acid(s) in a non-repeat region; In silico analysis supports a deleterious effect on protein structure/function; Has not been previously published as pathogenic or benign to our knowledge

Broad Center for Mendelian Genomics, Broad Institute of MIT and Harvard
Classification: Uncertain significance for Hypotonia, infantile, with psychomotor retardation and characteristic facies 3. Last evaluated: 2025-01-13. Review status: criteria provided, single submitter. Criteria: ACMG Guidelines, 2015. Collection method: curation. Allele origin: germline. Inheritance: Autosomal recessive inheritance.
Comment: The p.Phe582del variant in TBCK has not been previously reported in the literature in individuals with TBCK-related intellectual disability syndrome, but has been identified in 0.004% (2/44632) of East Asian chromosomes by the Genome Aggregation Database (gnomAD; dbSNP rs909658169). Although this variant has been seen in the general population in a heterozygous state, its frequency is low enough to be consistent with a recessive carrier frequency. This variant has also been reported in ClinVar (Variation ID: 504336) and has been interpreted as likely pathogenic by GeneDx and a variant of uncertain significance by Invitae. This variant is a deletion of 1 amino acid at position 582 and is not predicted to alter the protein reading-frame. It is unclear if this deletion will impact the protein. In summary, the clinical significance of the p.Phe582del variant is uncertain. ACMG/AMP Criteria applied: PM2_supporting, PM4_supporting (Richards 2015).

Labcorp Genetics (formerly Invitae), Labcorp
Classification: Uncertain significance. Last evaluated: 2021-08-11. Review status: criteria provided, single submitter. Criteria: Invitae Variant Classification Sherloc (09022015). Collection method: clinical testing. Allele origin: germline.
Comment: In summary, the available evidence is currently insufficient to determine the role of this variant in disease. Therefore, it has been classified as a Variant of Uncertain Significance. Experimental studies and prediction algorithms are not available or were not evaluated, and the functional significance of this variant is currently unknown. ClinVar contains an entry for this variant (Variation ID: 504336). This variant has not been reported in the literature in individuals affected with TBCK-related conditions. This variant is not present in population databases (ExAC no frequency). This variant, c.1746_1748del, results in the deletion of 1 amino acid(s) of the TBCK protein (p.Phe582del), but otherwise preserves the integrity of the reading frame.

NM_001163435.3(TBCK):c.1740CTT[2] (p.Phe582del)

Gene: TBCK (TBC1 domain containing kinase; minus strand). Cytogenetic location: 4q24.
Variant type: Microsatellite.
Coding change: c.1740CTT[2] on transcript NM_001163435.3 (MANE Select); two copies in a row of the 3-base unit CTT starting at c.1740; the reference has three copies in a row; one copy, 3 bases deleted; also written c.1746_1748del.
Protein change: p.Phe582del; deletes phenylalanine 582.
Molecular consequence: inframe deletion.
Genome position (GRCh38, 1-based): chr4:106,230,389-106,230,391, AAG deleted on the plus strand (CTT on the coding strand, the reverse complement: TBCK is on the minus strand); deleting any 3 consecutive bases within chr4:106,230,389-106,230,397 gives the same sequence; the position shown is the placement nearest the transcript's 3' end. VCF-style (leftmost placement, unchanged base first): chr4-106230388-TAAG-T. GRCh37 (hg19) VCF-style: chr4-107151545-TAAG-T.
Other names: NM_001163435.3(TBCK):c.1740CTT[2]; p.Phe582del; c.1740CTT[2], p.Phe582del (NM_001163436.4); c.1623CTT[2], p.Phe543del (NM_001163437.3); c.1224CTT[2], p.Phe410del (NM_001290768.2); c.1551CTT[2], p.Phe519del (NM_033115.5); c.1746_1748del (NM_001163435.2); c.1746_1748delCTT (NM_001163435.2); short protein forms F582del, F410del, F519del, F543del.
Identifiers: ClinVar variation 504336 (VCV000504336.10), dbSNP rs909658169, ClinGen allele CA102832175.